The following is an entry in ClinVar:

ClinVar aggregate classification (germline): Pathogenic (1 of 4 stars; one submission).

Submission:

Department of Neurology, Zibo Changguo Hospital
Classification: Pathogenic. Last evaluated: 2025-01-11. Review status: criteria provided, single submitter. Criteria: ACMG/ClinGen CNV Guidelines, 2019. Collection method: clinical testing. Allele origin: maternal.
Comment: The DECIPHER databases do not contain records of de novo cases associated with this deletion. Additionally, no similar reports of this deletion have been documented in DGV. The deletion in this region involves 8 protein-coding genes, including 3 morbid genes: DIAPH2, PCDH19, and SRPX2. The ClinGen database assigns a haploinsufficiency score of 3 to the PCDH19 gene, indicating sufficient evidence that a single-copy deletion of this gene can cause disease. PCDH19 is associated with Developmental and Epileptic Encephalopathy 9 [OMIM: 300088], an X-linked disorder primarily affecting heterozygous females. The condition typically manifests in infancy and is characterized by mild to severe intellectual disability, seizures, and, in some individuals, autism spectrum disorder and psychiatric features. In conclusion, the deletion in this region is classified as a pathogenic variant.

GRCh37/hg19 Xq21.33-22.1(chrX:96380000-100120000)x1

Genes: NOX1 (NADPH oxidase 1; minus strand), CSTF2 (cleavage stimulation factor subunit 2; plus strand), DIAPH2 (diaphanous related formin 2; plus strand), PCDH19 (protocadherin 19; minus strand), SRPX2 (sushi repeat containing protein X-linked 2; plus strand) and 3 more. Cytogenetic location: Xq21.33-22.1.
Variant type: copy number loss.
Change: copy number 1 of chrX:96,380,000-100,120,000 (3.74 Mb, GRCh37 coordinates, 1-based), cytogenetic band Xq21.33-22.1.
Identifiers: ClinVar variation 3770226 (VCV003770226.1).